The following is an entry in ClinVar:

NM_024675.4(PALB2):c.987_990del (p.Glu331fs)

Gene: PALB2 (partner and localizer of BRCA2; minus strand). Cytogenetic location: 16p12.2.
Variant type: Deletion.
Coding change: c.987_990del on transcript NM_024675.4 (MANE Select); coding-DNA positions 987 to 990, 4 bases deleted (AAAT; older notation c.987_990delAAAT).
Protein change: p.Glu331fs; shifts the reading frame from glutamic acid 331.
Molecular consequence: frameshift variant. On other transcripts: intron variant (3).
Genome position (GRCh38, 1-based): chr16:23,635,556-23,635,559, ATTT deleted on the plus strand (AAAT on the coding strand, the reverse complement: PALB2 is on the minus strand); deleting any 4 consecutive bases within chr16:23,635,556-23,635,560 gives the same sequence; the c. name uses the placement nearest the transcript's 3' end. VCF-style (leftmost placement, unchanged base first): chr16-23635555-CATTT-C. GRCh37 (hg19) VCF-style: chr16-23646876-CATTT-C.
Other names: c.927_930del, p.Glu311fs (NM_001407296.1); c.987_990del, p.Glu331fs (NM_001407297.1, NM_001407298.1, NM_001407299.1 and 3 more transcripts); c.102_105del, p.Glu36fs (NM_001407304.1, NM_001407305.1, NM_001407306.1 and 5 more transcripts); c.48+5551_48+5554del (NM_001407314.1); c.-104-5090_-104-5087del (NM_001407313.1, NM_001407312.1); short protein forms E311fs, E331fs, E36fs.
Identifiers: ClinVar variation 3773508 (VCV003773508.1).

ClinVar aggregate classification (germline): Pathogenic (1 of 4 stars; one submission).

Conditions:
Familial cancer of breast. Also called: Hereditary breast cancer; BREAST CANCER, FAMILIAL; hereditary breast carcinoma. Identifiers: Orphanet 227535, MedGen C0346153, MONDO:0016419, OMIM 114480. Disease mechanism: loss of function.

Submission:

Myriad Genetics, Inc.
Classification: Pathogenic for Familial cancer of breast. Last evaluated: 2024-10-22. Review status: criteria provided, single submitter. Criteria: Myriad Autosomal Dominant, Autosomal Recessive and X-Linked Classification Criteria (2023). Collection method: clinical testing. Allele origin: unknown.
Comment: This variant is considered pathogenic. This variant creates a frameshift predicted to result in premature protein truncation.